The following is an entry in ClinVar:

ClinVar aggregate classification (germline): Uncertain significance (1 of 4 stars; one submission).

Conditions:
Fibrous dysplasia of jaw (CRBM). Also called: Cherubism. Identifiers: Orphanet 184, MedGen C0008029, MONDO:0007315, OMIM 118400.

Allele frequency attached by ClinVar (database versions not stated): gnomAD 0.00001; 1000 Genomes Project 30x 0.00016; gnomAD exomes below 0.00001; 1000 Genomes Project 0.00020.
gnomAD v4.1: 2 of 1,610,554 alleles (0.00012%); highest among the groups gnomAD compares: Admixed American, 0.0033%; no homozygotes.

Submission:

Labcorp Genetics (formerly Invitae), Labcorp
Classification: Uncertain significance for Fibrous dysplasia of jaw. Last evaluated: 2025-05-07. Review status: criteria provided, single submitter. Criteria: Invitae Variant Classification Sherloc (09022015). Collection method: clinical testing. Allele origin: germline.
Comment: This sequence change replaces leucine, which is neutral and non-polar, with proline, which is neutral and non-polar, at codon 390 of the SH3BP2 protein (p.Leu390Pro). This variant is not present in population databases (gnomAD no frequency). This variant has not been reported in the literature in individuals affected with SH3BP2-related conditions. ClinVar contains an entry for this variant (Variation ID: 2763751). Invitae Evidence Modeling of protein sequence and biophysical properties (such as structural, functional, and spatial information, amino acid conservation, physicochemical variation, residue mobility, and thermodynamic stability) has been performed for this missense variant. However, the output from this modeling did not meet the statistical confidence thresholds required to predict the impact of this variant on SH3BP2 protein function. In summary, the available evidence is currently insufficient to determine the role of this variant in disease. Therefore, it has been classified as a Variant of Uncertain Significance.

NM_001122681.2(SH3BP2):c.1169T>C (p.Leu390Pro)

Gene: SH3BP2 (SH3 domain binding protein 2; plus strand). Cytogenetic location: 4p16.3.
Variant type: single nucleotide variant.
Coding change: c.1169T>C on transcript NM_001122681.2 (MANE Select); coding-DNA position 1169, T replaced by C.
Protein change: p.Leu390Pro; replaces leucine 390 with proline.
Molecular consequence: missense variant.
Genome position (GRCh38, 1-based): chr4:2,830,075, T>C. VCF-style: chr4-2830075-T-C. GRCh37 (hg19) VCF-style: chr4-2831802-T-C.
Other names: c.1253T>C, p.Leu418Pro (NM_001145855.2); c.1340T>C, p.Leu447Pro (NM_001145856.2); c.1169T>C, p.Leu390Pro (NM_003023.4); short protein forms L390P, L418P, L447P.
Identifiers: ClinVar variation 2763751 (VCV002763751.3), dbSNP rs568178509, ClinGen allele CA91411575.